The following is an entry in ClinVar:

NM_017780.4(CHD7):c.3372_3373delinsAT (p.Met1124_Asp1125delinsIleTyr)

Gene: CHD7 (chromodomain helicase DNA binding protein 7; plus strand). Cytogenetic location: 8q12.2.
Variant type: Indel.
Coding change: c.3372_3373delinsAT on transcript NM_017780.4 (MANE Select); coding-DNA positions 3372 to 3373, GG replaced by AT.
Protein change: p.Met1124_Asp1125delinsIleTyr.
Molecular consequence: missense variant. On other transcripts: intron variant (1).
Genome position (GRCh38, 1-based): chr8:60,824,010-60,824,011, GG replaced by AT. VCF-style: chr8-60824010-GG-AT. GRCh37 (hg19) VCF-style: chr8-61736569-GG-AT.
Other names: c.1717-38219_1717-38218delinsAT (NM_001316690.1); c.3372_3373delinsAT (NM_017780.2).
Identifiers: ClinVar variation 953632 (VCV000953632.12), dbSNP rs1804159058, ClinGen allele CA1139660550.

ClinVar aggregate classification (germline): Uncertain significance. Review status: criteria provided, multiple submitters, no conflicts (2 of 4 stars). 3 submissions from 3 submitters: Uncertain significance (3). Last evaluated 2026-06-12.

Conditions:
CHARGE syndrome (CHARGE). Also called: Hittner Hirsch Kreh syndrome; Coloboma, heart anomaly, choanal atresia, retardation, genital and ear anomalies; CHARGE association; Hall-Hittner syndrome; CHARGE ASSOCIATION--COLOBOMA, HEART ANOMALY, CHOANAL ATRESIA, RETARDATION, GENITAL AND EAR ANOMALIES. Identifiers: Orphanet 138, MedGen C0265354, MONDO:0008965.

Submissions (3):

GeneDx
Classification: Uncertain significance. Last evaluated: 2026-06-12. Review status: criteria provided, single submitter. Criteria: GeneDx Variant Classification Process June 2021. Collection method: clinical testing. Allele origin: germline.
Comment: Not observed at significant frequency in large population cohorts (gnomAD); In silico analysis supports a deleterious effect on protein structure/function; Has not been previously published as pathogenic or benign to our knowledge

Labcorp Genetics (formerly Invitae), Labcorp
Classification: Uncertain significance for CHARGE syndrome. Last evaluated: 2023-10-03. Review status: criteria provided, single submitter. Criteria: Invitae Variant Classification Sherloc (09022015). Collection method: clinical testing. Allele origin: germline.
Comment: This variant, c.3372_3373delinsAT, is a complex sequence change that results in the deletion of methionine aspartic acid and insertion of isoleucine amino acid(s) in the CHD7 protein (p.Met1124_Asp1125delinsIleTyr). Information on the frequency of this variant in the gnomAD database is not available, as this variant may be reported differently in the database. This variant has not been reported in the literature in individuals affected with CHD7-related conditions. ClinVar contains an entry for this variant (Variation ID: 953632). Experimental studies and prediction algorithms are not available or were not evaluated, and the functional significance of this variant is currently unknown. In summary, the available evidence is currently insufficient to determine the role of this variant in disease. Therefore, it has been classified as a Variant of Uncertain Significance.

HudsonAlpha Institute for Biotechnology
Classification: Uncertain significance for CHD7-related CHARGE syndrome. Last evaluated: 2021-10-13. Review status: criteria provided, single submitter. Criteria: ACMG Guidelines, 2015. Collection method: research. Allele origin: maternal. Observed: 1 variant allele. Study: CSER-SouthSeq.
Comment: ACMG codes: PM2; PP3